The following is an entry in ClinVar:

ClinVar aggregate classification (germline): Uncertain significance (1 of 4 stars; one submission).

Conditions:
Marinesco-Sjögren syndrome (MSS). Also called: Marinesco-SjÃ¶gren syndrome; Marinesco-Sjogren Syndrome. Identifiers: Orphanet 559, MedGen C0024814, MONDO:0009567, OMIM 248800.

Submission:

Labcorp Genetics (formerly Invitae), Labcorp
Classification: Uncertain significance for Marinesco-Sjögren syndrome. Last evaluated: 2022-10-17. Review status: criteria provided, single submitter. Criteria: Invitae Variant Classification Sherloc (09022015). Collection method: clinical testing. Allele origin: germline.
Comment: In summary, the available evidence is currently insufficient to determine the role of this variant in disease. Therefore, it has been classified as a Variant of Uncertain Significance. Advanced modeling of protein sequence and biophysical properties (such as structural, functional, and spatial information, amino acid conservation, physicochemical variation, residue mobility, and thermodynamic stability) performed at Invitae indicates that this missense variant is expected to disrupt SIL1 protein function. This variant has not been reported in the literature in individuals affected with SIL1-related conditions. This variant is not present in population databases (gnomAD no frequency). This sequence change replaces alanine, which is neutral and non-polar, with threonine, which is neutral and polar, at codon 303 of the SIL1 protein (p.Ala303Thr).

NM_022464.5(SIL1):c.907G>A (p.Ala303Thr)

Gene: SIL1 (SIL1 nucleotide exchange factor; minus strand). Cytogenetic location: 5q31.2.
Variant type: single nucleotide variant.
Coding change: c.907G>A on transcript NM_022464.5 (MANE Select); coding-DNA position 907, G replaced by A.
Protein change: p.Ala303Thr; replaces alanine 303 with threonine.
Molecular consequence: missense variant.
Genome position (GRCh38, 1-based): chr5:138,951,293, C>T on the plus strand (G>A on the coding strand, the complement: SIL1 is on the minus strand). VCF-style: chr5-138951293-C-T. GRCh37 (hg19) VCF-style: chr5-138286982-C-T.
Other names: c.907G>A, p.Ala303Thr (NM_001037633.2); short protein forms A303T.
Identifiers: ClinVar variation 1947955 (VCV001947955.5), dbSNP rs2534018852, ClinGen allele CA361137681.
Genomic context (GRCh38, chr5:138,951,293, plus strand): 5'-TCTCCTGCACCAGGGTCCTCAGGACCTGCAGCCCCCCGAGCTTCAGGAACTGCCGCTGGG[C>T]ATAGGGGAAGTGGCGCAGCAGGGAGCACAGTGCAAACAGGACCTGGGGGCACAGACCCAG-3'
Protein context (NP_071909.1, residues 293-313): LCSLLRHFPY[Ala303Thr]QRQFLKLGGL